The following is an entry in ClinVar:

NM_030665.4(RAI1):c.2274G>A (p.Trp758Ter)

Gene: RAI1 (retinoic acid induced 1; plus strand). Cytogenetic location: 17p11.2.
Variant type: single nucleotide variant.
Coding change: c.2274G>A on transcript NM_030665.4 (MANE Select); coding-DNA position 2274, G replaced by A.
Protein change: p.Trp758Ter; replaces tryptophan 758 with a stop codon.
Molecular consequence: nonsense.
Genome position (GRCh38, 1-based): chr17:17,795,222, G>A. VCF-style: chr17-17795222-G-A. GRCh37 (hg19) VCF-style: chr17-17698536-G-A.
Other names: short protein forms W758*.
Identifiers: ClinVar variation 3349606 (VCV003349606.1).
Genomic context (GRCh38, chr17:17,795,222, plus strand): 5'-GGACAGCGCCAACCCCTTTGCCTGGCCAGAGGAAAACCTGGGGGATGCTTGTCCCAGGTG[G>A]GGATTGCACCCTGGCGAGCTTACCAAGGGCCTGGAGCAGGGTGGGAAGGCCTCAGATGGC-3'

ClinVar aggregate classification (germline): Pathogenic (0 of 4 stars; one submission).

Conditions:
RAI1-related disorder. Also called: RAI1-related condition.

Submission:

PreventionGenetics, part of Exact Sciences
Classification: Pathogenic for RAI1-related condition. Last evaluated: 2024-03-06. Review status: no assertion criteria provided. Collection method: clinical testing. Allele origin: germline.
Comment: The RAI1 c.2274G>A variant is predicted to result in premature protein termination (p.Trp758*). To our knowledge, this variant has not been reported in the literature or in a large population database, indicating this variant is rare. An alternate nucleotide variant (c.2273G>A) which causes the same protein early termination (p.Trp758*) has been reported as apparently de novo in individuals with Smith-Magenis syndrome (Adams et al. 2014. PubMed ID: 24863970; Gahl et al. 2016. PubMed ID: 26846157). Nonsense variants in RAI1 are expected to be pathogenic. Given the evidence, we interpret this variant as pathogenic.